The following is an entry in ClinVar:

NM_001166034.2(SBSN):c.1704+7G>A

Gene: SBSN (suprabasin; minus strand). Cytogenetic location: 19q13.12.
Variant type: single nucleotide variant.
Coding change: c.1704+7G>A on transcript NM_001166034.2 (MANE Select); 7 bases into the intron after coding-DNA position 1704, G replaced by A.
Molecular consequence: intron variant.
Genome position (GRCh38, 1-based): chr19:35,524,852, C>T on the plus strand (G>A on the coding strand, the complement: SBSN is on the minus strand). VCF-style: chr19-35524852-C-T. GRCh37 (hg19) VCF-style: chr19-36015754-C-T.
Other names: c.441+7G>A (NM_001166035.2); c.675+7G>A (NM_198538.4).
Identifiers: ClinVar variation 5039700 (VCV005039700.1).

ClinVar aggregate classification (germline): Likely benign (1 of 4 stars; one submission).

gnomAD v4.1: 71 of 1,613,954 alleles (0.0044%); highest among the groups gnomAD compares: South Asian, 0.011%; no homozygotes.

Submission:

CeGaT Center for Human Genetics Tuebingen
Classification: Likely benign. Last evaluated: 2026-08-01. Review status: criteria provided, single submitter. Criteria: CeGaT Center For Human Genetics Tuebingen Variant Classification Criteria Version 2. Collection method: clinical testing. Allele origin: germline. Affected: yes. Observed: 1 variant allele.
Comment: SBSN: BP4